The following is an entry in ClinVar:

NM_213599.3(ANO5):c.1027G>A (p.Asp343Asn)

Gene: ANO5 (anoctamin 5; plus strand). Cytogenetic location: 11p14.3.
Variant type: single nucleotide variant.
Coding change: c.1027G>A on transcript NM_213599.3 (MANE Select); coding-DNA position 1027, G replaced by A.
Protein change: p.Asp343Asn; replaces aspartic acid 343 with asparagine.
Molecular consequence: missense variant.
Genome position (GRCh38, 1-based): chr11:22,250,754, G>A. VCF-style: chr11-22250754-G-A. GRCh37 (hg19) VCF-style: chr11-22272300-G-A.
Other names: c.1024G>A, p.Asp342Asn (NM_001142649.2); c.985G>A, p.Asp329Asn (NM_001410963.1); c.982G>A, p.Asp328Asn (NM_001410964.1); short protein forms D328N, D329N, D342N, D343N.
Identifiers: ClinVar variation 3753729 (VCV003753729.2).

ClinVar aggregate classification (germline): Uncertain significance (1 of 4 stars; one submission).

Conditions:
Gnathodiaphyseal dysplasia (GDD). Also called: GNATHODIAPHYSEAL SCLEROSIS; OSTEOGENESIS IMPERFECTA WITH UNUSUAL SKELETAL LESIONS. Identifiers: Orphanet 53697, MedGen C1833736, MONDO:0008151, OMIM 166260.
Autosomal recessive limb-girdle muscular dystrophy type 2L (LGMDR12). Also called: Limb-girdle muscular dystrophy, type 2L; MUSCULAR DYSTROPHY, LIMB-GIRDLE, AUTOSOMAL RECESSIVE 12; Limb-Girdle Muscular Dystrophy R12 Anoctamin-5-Related (LGMD-R12). Identifiers: Orphanet 206549, MedGen C1969785, MONDO:0012652, OMIM 611307.

Submission:

Labcorp Genetics (formerly Invitae), Labcorp
Classification: Uncertain significance for Autosomal recessive limb-girdle muscular dystrophy type 2L; Gnathodiaphyseal dysplasia. Last evaluated: 2024-11-23. Review status: criteria provided, single submitter. Criteria: Invitae Variant Classification Sherloc (09022015). Collection method: clinical testing. Allele origin: germline.
Comment: This sequence change replaces aspartic acid, which is acidic and polar, with asparagine, which is neutral and polar, at codon 343 of the ANO5 protein (p.Asp343Asn). This variant is present in population databases (rs765214128, gnomAD 0.0009%). This variant has not been reported in the literature in individuals affected with ANO5-related conditions. Invitae Evidence Modeling of protein sequence and biophysical properties (such as structural, functional, and spatial information, amino acid conservation, physicochemical variation, residue mobility, and thermodynamic stability) indicates that this missense variant is not expected to disrupt ANO5 protein function with a negative predictive value of 80%. In summary, the available evidence is currently insufficient to determine the role of this variant in disease. Therefore, it has been classified as a Variant of Uncertain Significance.